The following is an entry in ClinVar:

ClinVar aggregate classification (germline): Uncertain significance (1 of 4 stars; one submission).

Conditions:
Koolen-de Vries syndrome (KDVS). Identifiers: Orphanet 96169, MedGen C1864871, MONDO:0012496, OMIM 610443.

Allele frequency attached by ClinVar (database versions not stated): ExAC 0.00001; gnomAD exomes 0.00001; TOPMed 0.00001.
gnomAD v4.1: 15 of 1,603,654 alleles (0.00094%); highest among the groups gnomAD compares: Non-Finnish European, 0.0012%; no homozygotes.

Submission:

Labcorp Genetics (formerly Invitae), Labcorp
Classification: Uncertain significance for Koolen-de Vries syndrome. Last evaluated: 2024-02-18. Review status: criteria provided, single submitter. Criteria: Invitae Variant Classification Sherloc (09022015). Collection method: clinical testing. Allele origin: germline.
Comment: This sequence change falls in intron 6 of the KANSL1 gene. It does not directly change the encoded amino acid sequence of the KANSL1 protein. It affects a nucleotide within the consensus splice site. This variant is present in population databases (rs757213880, gnomAD 0.003%). This variant has not been reported in the literature in individuals affected with KANSL1-related conditions. ClinVar contains an entry for this variant (Variation ID: 1987067). Variants that disrupt the consensus splice site are a relatively common cause of aberrant splicing (PMID: 17576681, 9536098). Algorithms developed to predict the effect of sequence changes on RNA splicing suggest that this variant is not likely to affect RNA splicing. In summary, the available evidence is currently insufficient to determine the role of this variant in disease. Therefore, it has been classified as a Variant of Uncertain Significance.

Literature cited by the submitters: PubMed 17576681; PubMed 9536098.

NM_015443.4(KANSL1):c.1849-3C>T

Gene: KANSL1 (KAT8 regulatory NSL complex subunit 1). Cytogenetic location: 17q21.31.
Variant type: single nucleotide variant.
Coding change: c.1849-3C>T on transcript NM_015443.4 (MANE Select); 3 bases into the intron before coding-DNA position 1849, C replaced by T.
Molecular consequence: intron variant.
Genome position (GRCh38, 1-based): chr17:46,050,707, G>A on the plus strand (C>T on the coding strand, the complement: KANSL1 is on the minus strand). VCF-style: chr17-46050707-G-A. GRCh37 (hg19) VCF-style: chr17-44128073-G-A.
Other names: c.1849-3C>T (NM_001193465.2, NM_001379198.1, NM_001193466.2).
Identifiers: ClinVar variation 1987067 (VCV001987067.4), dbSNP rs757213880, ClinGen allele CA8618699.